The following is an entry in ClinVar:

NM_000081.4(LYST):c.1907C>T (p.Ala636Val)

Gene: LYST (lysosomal trafficking regulator; minus strand). Cytogenetic location: 1q42.3.
Variant type: single nucleotide variant.
Coding change: c.1907C>T on transcript NM_000081.4 (MANE Select); coding-DNA position 1907, C replaced by T.
Protein change: p.Ala636Val; replaces alanine 636 with valine.
Molecular consequence: missense variant.
Genome position (GRCh38, 1-based): chr1:235,808,911, G>A on the plus strand (C>T on the coding strand, the complement: LYST is on the minus strand). VCF-style: chr1-235808911-G-A. GRCh37 (hg19) VCF-style: chr1-235972211-G-A.
Other names: c.1907C>T, p.Ala636Val (NM_001301365.1); short protein forms A636V.
Identifiers: ClinVar variation 1001834 (VCV001001834.8), dbSNP rs201461433, ClinGen allele CA39617843.

ClinVar aggregate classification (germline): Uncertain significance (1 of 4 stars; one submission).

Conditions:
Chédiak-Higashi syndrome (CHS). Also called: Chediak-Higashi Syndrome. Identifiers: Orphanet 167, MedGen C0007965, MONDO:0008963, OMIM 214500.

Allele frequency attached by ClinVar (database versions not stated): gnomAD exomes below 0.00001.
gnomAD v4.1: 2 of 1,612,534 alleles (0.00012%); highest among the groups gnomAD compares: East Asian, 0.0022%; no homozygotes.

Submission:

Labcorp Genetics (formerly Invitae), Labcorp
Classification: Uncertain significance for Chédiak-Higashi syndrome. Last evaluated: 2022-07-11. Review status: criteria provided, single submitter. Criteria: Invitae Variant Classification Sherloc (09022015). Collection method: clinical testing. Allele origin: germline.
Comment: Algorithms developed to predict the effect of missense changes on protein structure and function output the following: SIFT: "Tolerated"; PolyPhen-2: "Benign"; Align-GVGD: "Class C0". The valine amino acid residue is found in multiple mammalian species, which suggests that this missense change does not adversely affect protein function. In summary, the available evidence is currently insufficient to determine the role of this variant in disease. Therefore, it has been classified as a Variant of Uncertain Significance. ClinVar contains an entry for this variant (Variation ID: 1001834). This variant has not been reported in the literature in individuals affected with LYST-related conditions. This variant is not present in population databases (gnomAD no frequency). This sequence change replaces alanine, which is neutral and non-polar, with valine, which is neutral and non-polar, at codon 636 of the LYST protein (p.Ala636Val).